The following is an entry in ClinVar:

ClinVar aggregate classification (germline): Uncertain significance. Review status: criteria provided, multiple submitters, no conflicts (2 of 4 stars). 2 submissions from 2 submitters: Uncertain significance (2). Last evaluated 2025-05-25.

Conditions:
Hereditary cancer-predisposing syndrome. Also called: Hereditary neoplastic syndrome; Tumor predisposition; Hereditary Cancer Syndrome; Neoplastic Syndromes, Hereditary. Identifiers: Orphanet 140162, MedGen C0027672, MeSH D009386, MONDO:0015356.
POLD1-related polyposis and colorectal cancer syndrome (CRCS10). Also called: Colorectal cancer, susceptibility to, 10; Colorectal cancer 10; COLORECTAL CANCER, SUSCEPTIBILITY TO, ON CHROMOSOME 19q. Identifiers: Orphanet 220460, MedGen C2675481, MONDO:0012953, OMIM 612591.

Submissions (2):

Labcorp Genetics (formerly Invitae), Labcorp
Classification: Uncertain significance for POLD1-related polyposis and colorectal cancer syndrome. Last evaluated: 2025-05-25. Review status: criteria provided, single submitter. Criteria: Invitae Variant Classification Sherloc (09022015). Collection method: clinical testing. Allele origin: germline.
Comment: This sequence change replaces serine, which is neutral and polar, with tyrosine, which is neutral and polar, at codon 32 of the POLD1 protein (p.Ser32Tyr). This variant is not present in population databases (gnomAD no frequency). This variant has not been reported in the literature in individuals affected with POLD1-related conditions. ClinVar contains an entry for this variant (Variation ID: 651183). An algorithm developed to predict the effect of missense changes on protein structure and function (PolyPhen-2) suggests that this variant is likely to be disruptive. In summary, the available evidence is currently insufficient to determine the role of this variant in disease. Therefore, it has been classified as a Variant of Uncertain Significance.

Ambry Genetics
Classification: Uncertain significance for Hereditary cancer-predisposing syndrome. Last evaluated: 2024-08-10. Review status: criteria provided, single submitter. Criteria: Ambry Variant Classification Scheme 2023. Collection method: clinical testing. Allele origin: germline.
Comment: The p.S32Y variant (also known as c.95C>A), located in coding exon 1 of the POLD1 gene, results from a C to A substitution at nucleotide position 95. The serine at codon 32 is replaced by tyrosine, an amino acid with dissimilar properties. This amino acid position is conserved. In addition, this alteration is predicted to be tolerated by in silico analysis. Since supporting evidence is limited at this time, the clinical significance of this alteration remains unclear.

NM_002691.4(POLD1):c.95C>A (p.Ser32Tyr)

Gene: POLD1 (DNA polymerase delta 1, catalytic subunit; plus strand). Cytogenetic location: 19q13.33.
Variant type: single nucleotide variant.
Coding change: c.95C>A on transcript NM_002691.4 (MANE Select); coding-DNA position 95, C replaced by A.
Protein change: p.Ser32Tyr; replaces serine 32 with tyrosine.
Molecular consequence: missense variant. On other transcripts: non-coding transcript variant (1).
Genome position (GRCh38, 1-based): chr19:50,398,946, C>A. VCF-style: chr19-50398946-C-A. GRCh37 (hg19) VCF-style: chr19-50902203-C-A.
Other names: c.95C>A, p.Ser32Tyr (NM_001256849.1, NM_001308632.1); short protein forms S32Y.
Identifiers: ClinVar variation 651183 (VCV000651183.14), dbSNP rs959521780, ClinGen allele CA309597856.